The following is an entry in ClinVar:

NM_000108.5(DLD):c.1212A>C (p.Lys404Asn)

Gene: DLD (dihydrolipoamide dehydrogenase; plus strand). Cytogenetic location: 7q31.1.
Variant type: single nucleotide variant.
Coding change: c.1212A>C on transcript NM_000108.5 (MANE Select); coding-DNA position 1212, A replaced by C.
Protein change: p.Lys404Asn; replaces lysine 404 with asparagine.
Molecular consequence: missense variant.
Genome position (GRCh38, 1-based): chr7:107,917,438, A>C. VCF-style: chr7-107917438-A-C. GRCh37 (hg19) VCF-style: chr7-107557883-A-C.
Other names: c.915A>C, p.Lys305Asn (NM_001289750.1); c.1143A>C, p.Lys381Asn (NM_001289751.1); c.1068A>C, p.Lys356Asn (NM_001289752.1); short protein forms K404N, K356N, K381N, K305N.
Identifiers: ClinVar variation 1996746 (VCV001996746.4), dbSNP rs2535602724, ClinGen allele CA368858571.

ClinVar aggregate classification (germline): Uncertain significance (1 of 4 stars; one submission).

Conditions:
Pyruvate dehydrogenase E3 deficiency (DLDD). Also called: Dihydrolipoamide Dehydrogenase (E3) Deficiency; Dihydrolipoamide Dehydrogenase E3 Deficiency; Dihydrolipoamide Dehydrogenase Deficiency; MAPLE SYRUP URINE DISEASE, TYPE III; Lipoamide dehydrogenase deficiency, lactic acidosis due to; Lipoamide dehydrogenase deficiency. Identifiers: Orphanet 2394, Orphanet 765, MedGen C5574660, MONDO:0009529, OMIM 246900.

Submission:

Labcorp Genetics (formerly Invitae), Labcorp
Classification: Uncertain significance for Pyruvate dehydrogenase E3 deficiency. Last evaluated: 2024-10-21. Review status: criteria provided, single submitter. Criteria: Invitae Variant Classification Sherloc (09022015). Collection method: clinical testing. Allele origin: germline.
Comment: This sequence change replaces lysine, which is basic and polar, with asparagine, which is neutral and polar, at codon 404 of the DLD protein (p.Lys404Asn). This variant is not present in population databases (gnomAD no frequency). This variant has not been reported in the literature in individuals affected with DLD-related conditions. ClinVar contains an entry for this variant (Variation ID: 1996746). Invitae Evidence Modeling of protein sequence and biophysical properties (such as structural, functional, and spatial information, amino acid conservation, physicochemical variation, residue mobility, and thermodynamic stability) indicates that this missense variant is expected to disrupt DLD protein function with a positive predictive value of 95%. In summary, the available evidence is currently insufficient to determine the role of this variant in disease. Therefore, it has been classified as a Variant of Uncertain Significance.